The following is an entry in ClinVar:

ClinVar aggregate classification (germline): Uncertain significance (1 of 4 stars; one submission).

Conditions:
Long QT syndrome 1 (LQT1). Identifiers: Orphanet 101016, Orphanet 768, MedGen C4551647, MONDO:0100316, OMIM 192500, MONDO:0008646.

Submission:

3billion
Classification: Uncertain significance for Long QT syndrome 1. Last evaluated: 2025-11-16. Review status: criteria provided, single submitter. Criteria: ACMG Guidelines, 2015. Collection method: clinical testing. Allele origin: germline. Affected: yes.
Comment: The variant is not observed in the gnomAD v4.1.0 dataset. Predicted Consequence/Location: Intron variant In silico tools predict the variant to alter splicing and produce an abnormal transcript [SpliceAI: 0.82 (>=0.2, moderate evidence for spliceogenicity)]. Therefore, this variant is classified as VUS according to the recommendation of ACMG/AMP guideline.

NM_000218.3(KCNQ1):c.1032+3A>C

Gene: KCNQ1 (potassium voltage-gated channel subfamily Q member 1; plus strand). Cytogenetic location: 11p15.5.
Variant type: single nucleotide variant.
Coding change: c.1032+3A>C on transcript NM_000218.3 (MANE Select); 3 bases into the intron after coding-DNA position 1032, A replaced by C.
Molecular consequence: intron variant.
Genome position (GRCh38, 1-based): chr11:2,583,548, A>C. VCF-style: chr11-2583548-A-C. GRCh37 (hg19) VCF-style: chr11-2604778-A-C.
Other names: c.762+3A>C (NM_001406837.1); c.1032+3A>C (NM_001406836.1); c.588+3A>C (NM_001406838.1); c.651+3A>C (NM_181798.2).
Identifiers: ClinVar variation 4855536 (VCV004855536.1).